The following is an entry in ClinVar:

ClinVar aggregate classification (germline): Likely pathogenic (1 of 4 stars; one submission).

Conditions:
Dilated cardiomyopathy 1KK (CMD1KK). Identifiers: Orphanet 154, Orphanet 75249, MedGen C3714995, MONDO:0014100, OMIM 615248.

Submission:

Labcorp Genetics (formerly Invitae), Labcorp
Classification: Likely pathogenic for Dilated cardiomyopathy 1KK. Last evaluated: 2023-02-10. Review status: criteria provided, single submitter. Criteria: Invitae Variant Classification Sherloc (09022015). Collection method: clinical testing. Allele origin: germline.
Comment: In summary, the currently available evidence indicates that the variant is pathogenic, but additional data are needed to prove that conclusively. Therefore, this variant has been classified as Likely Pathogenic. Algorithms developed to predict the effect of sequence changes on RNA splicing suggest that this variant may disrupt the consensus splice site. This variant has not been reported in the literature in individuals affected with MYPN-related conditions. This variant is not present in population databases (gnomAD no frequency). This sequence change affects an acceptor splice site in intron 3 of the MYPN gene. It is expected to disrupt RNA splicing. Variants that disrupt the donor or acceptor splice site typically lead to a loss of protein function (PMID: 16199547), and loss-of-function variants in MYPN are known to be pathogenic (PMID: 28017374).

Literature cited by the submitters: PubMed 16199547; PubMed 28017374.

NM_032578.4(MYPN):c.1079-2A>G

Gene: MYPN (myopalladin; plus strand). Cytogenetic location: 10q21.3.
Variant type: single nucleotide variant.
Coding change: c.1079-2A>G on transcript NM_032578.4 (MANE Select); the canonical splice acceptor site of the intron before coding-DNA position 1079, A replaced by G.
Molecular consequence: splice acceptor variant.
Genome position (GRCh38, 1-based): chr10:68,145,473, A>G. VCF-style: chr10-68145473-A-G. GRCh37 (hg19) VCF-style: chr10-69905230-A-G.
Other names: c.1079-2A>G (NM_001256267.2); c.197-2A>G (NM_001256268.2).
Identifiers: ClinVar variation 2035275 (VCV002035275.4), dbSNP rs2495590514, ClinGen allele CA376830293.
Genomic context (GRCh38, chr10:68,145,473, plus strand): 5'-TTAGGAACCAATTTAAGAAATTGTCATCTTAACAATCTTATGTCTTGTTTTTATTTTTCC[A>G]GGGGTTTCTTCTTCTGACTCAGAAGGCGACCCTAACAAGGAAGAGATGAATCGGTAATTC-3'